The following is an entry in ClinVar:

NM_000191.3(HMGCL):c.804C>A (p.Tyr268Ter)

Gene: HMGCL (3-hydroxy-3-methylglutaryl-CoA lyase; minus strand). Cytogenetic location: 1p36.11.
Variant type: single nucleotide variant.
Coding change: c.804C>A on transcript NM_000191.3 (MANE Select); coding-DNA position 804, C replaced by A.
Protein change: p.Tyr268Ter; replaces tyrosine 268 with a stop codon.
Molecular consequence: nonsense.
Genome position (GRCh38, 1-based): chr1:23,804,472, G>T on the plus strand (C>A on the coding strand, the complement: HMGCL is on the minus strand). VCF-style: chr1-23804472-G-T. GRCh37 (hg19) VCF-style: chr1-24130962-G-T.
Other names: c.591C>A, p.Tyr197Ter (NM_001166059.2); short protein forms Y268*, Y197*.
Identifiers: ClinVar variation 552412 (VCV000552412.3), dbSNP rs765198174, ClinGen allele CA339021181.

ClinVar aggregate classification (germline): Likely pathogenic. Review status: criteria provided, single submitter (1 of 4 stars). 2 submissions from 2 submitters: Likely pathogenic (1). 1 of the submissions does not count toward it. Last evaluated 2024-08-30.

Conditions:
Long chain 3-hydroxyacyl-CoA dehydrogenase deficiency. Also called: Deficiency of long-chain 3-hydroxyacyl-coenzyme A dehydrogenase; LCHAD Deficiency. Identifiers: Orphanet 5, MedGen C3711645, MONDO:0012173, OMIM 609016.
Deficiency of hydroxymethylglutaryl-CoA lyase (HMGCLD). Also called: HMGCL DEFICIENCY; HYDROXYMETHYLGLUTARIC ACIDURIA; HMG-CoA LYASE DEFICIENCY; Defect in leucine metabolism; 3-hydroxy-3-methylglutaric aciduria. Identifiers: Orphanet 20, MedGen C1533587, MONDO:0009520, OMIM 246450.

Submissions (2):

Natera, Inc.
Classification: Likely pathogenic for Deficiency of long-chain 3-hydroxyacyl-coenzyme A dehydrogenase. Last evaluated: 2024-08-30. Review status: criteria provided, single submitter. Criteria: Natera Variant Classification Schema (03/2026). Collection method: clinical testing. Allele origin: germline.
Comment: The c.804C>A variant in HMGCL is a nonsense variant predicted to introduce a stop codon at amino acid 268. This variant is expected to result in nonsense mediated decay, truncation, or a dysfunctional protein product. This variant is rare in the general population with a frequency below the threshold expected for the associated phenotype(s). Given the available evidence, this variant is classified as Likely Pathogenic.

Counsyl
Classification: Likely pathogenic for Deficiency of hydroxymethylglutaryl-CoA lyase. Last evaluated: 2017-06-19. Review status: no assertion criteria provided. Collection method: clinical testing. Allele origin: unknown. Not counted in ClinVar's aggregate classification.